The following is an entry in ClinVar:

NM_005430.4(WNT1):c.403G>A (p.Val135Ile)

Gene: WNT1 (Wnt family member 1; plus strand). Cytogenetic location: 12q13.12.
Variant type: single nucleotide variant.
Coding change: c.403G>A on transcript NM_005430.4 (MANE Select); coding-DNA position 403, G replaced by A.
Protein change: p.Val135Ile; replaces valine 135 with isoleucine.
Molecular consequence: missense variant.
Genome position (GRCh38, 1-based): chr12:48,980,468, G>A. VCF-style: chr12-48980468-G-A. GRCh37 (hg19) VCF-style: chr12-49374251-G-A.
Other names: c.403G>A (NM_005430.3); short protein forms V135I.
Identifiers: ClinVar variation 1419519 (VCV001419519.8), dbSNP rs762209537, ClinGen allele CA6544388.

ClinVar aggregate classification (germline): Uncertain significance. Review status: criteria provided, multiple submitters, no conflicts (2 of 4 stars). 2 submissions from 2 submitters: Uncertain significance (2). Last evaluated 2026-04-01.

Allele frequency attached by ClinVar (database versions not stated): TOPMed 0.00002; gnomAD 0.00002 and 0.00001.
gnomAD v4.1: 49 of 1,614,092 alleles (0.003%); highest among the groups gnomAD compares: East Asian, 0.087%; no homozygotes.

Submissions (2):

GeneDx
Classification: Uncertain significance. Last evaluated: 2026-04-01. Review status: criteria provided, single submitter. Criteria: GeneDx Variant Classification Process June 2021. Collection method: clinical testing. Allele origin: germline.
Comment: In silico analysis suggests that this missense variant does not alter protein structure/function; Identified in a patient with recurrent spontaneous abortion and additional variants in other gene(s) in published literature (PMID: 35722368); This variant is associated with the following publications: (PMID: 35722368)

Labcorp Genetics (formerly Invitae), Labcorp
Classification: Uncertain significance. Last evaluated: 2021-02-21. Review status: criteria provided, single submitter. Criteria: Invitae Variant Classification Sherloc (09022015). Collection method: clinical testing. Allele origin: germline.
Comment: This sequence change replaces valine with isoleucine at codon 135 of the WNT1 protein (p.Val135Ile). The valine residue is highly conserved and there is a small physicochemical difference between valine and isoleucine. This variant is present in population databases (rs762209537, ExAC 0.05%). This variant has not been reported in the literature in individuals with WNT1-related conditions. Algorithms developed to predict the effect of missense changes on protein structure and function are either unavailable or do not agree on the potential impact of this missense change (SIFT: "Deleterious"; PolyPhen-2: "Benign"; Align-GVGD: "Class C0"). In summary, the available evidence is currently insufficient to determine the role of this variant in disease. Therefore, it has been classified as a Variant of Uncertain Significance.